The following is an entry in ClinVar:

ClinVar aggregate classification (germline): Uncertain significance. Review status: criteria provided, multiple submitters, no conflicts (2 of 4 stars). 3 submissions from 3 submitters: Uncertain significance (3). Last evaluated 2025-11-11.

Allele frequency attached by ClinVar (database versions not stated): ExAC 0.00003; gnomAD exomes 0.00006.
gnomAD v4.1: 58 of 1,613,704 alleles (0.0036%); highest among the groups gnomAD compares: Middle Eastern, 0.017%; no homozygotes.

Submissions (3):

Women's Health and Genetics/Laboratory Corporation of America, LabCorp
Classification: Uncertain significance. Last evaluated: 2025-11-11. Review status: criteria provided, single submitter. Criteria: LabCorp Variant Classification Summary - May 2015. Collection method: clinical testing. Allele origin: germline.
Comment: Variant summary: SHOX c.295G>C (p.Glu99Gln) results in a conservative amino acid change in the encoded protein sequence. Algorithms developed to predict the effect of missense changes on protein structure and function are either unavailable or do not agree on the potential impact of this missense change. The variant allele was found at a frequency of 5.6e-05 in 250174 control chromosomes. This frequency is not significantly higher than estimated for disease-causing variants in SHOX, allowing no conclusion about variant significance. To our knowledge, no occurrence of c.295G>C in individuals affected with SHOX-related conditions and no experimental evidence demonstrating its impact on protein function have been reported. ClinVar contains an entry for this variant (Variation ID: 1190180). Based on the evidence outlined above, the variant was classified as uncertain significance.

Mendelics
Classification: Uncertain significance. Last evaluated: 2022-05-04. Review status: criteria provided, single submitter. Criteria: Mendelics Assertion Criteria 2019. Collection method: clinical testing. Allele origin: germline.

GeneDx
Classification: Uncertain significance. Last evaluated: 2019-06-01. Review status: criteria provided, single submitter. Criteria: GeneDx Variant Classification Process June 2021. Collection method: clinical testing. Allele origin: germline. Affected: yes.
Comment: In silico analysis, which includes protein predictors and evolutionary conservation, supports that this variant does not alter protein structure/function; Has not been previously published as pathogenic or benign to our knowledge

NM_000451.4(SHOX):c.295G>C (p.Glu99Gln)

Genes: SHOX (SHOX homeobox; plus strand), LOC107652445 (meiotic recombination hotspot SHOX; plus strand). Cytogenetic location: Xp22.33.
Variant type: single nucleotide variant.
Coding change: c.295G>C on transcript NM_000451.4 (MANE Select); coding-DNA position 295, G replaced by C.
Protein change: p.Glu99Gln; replaces glutamic acid 99 with glutamine.
Molecular consequence: missense variant.
Genome position (GRCh38, 1-based): chrX:634,635, G>C. VCF-style: chrX-634635-G-C. GRCh37 (hg19) VCF-style: chrX-595370-G-C.
Other names: c.295G>C, p.Glu99Gln (NM_006883.2); short protein forms E99Q.
Identifiers: ClinVar variation 1190180 (VCV001190180.6), dbSNP rs768170715, ClinGen allele CA10329942.